The following is an entry in ClinVar:

ClinVar aggregate classification (germline): Uncertain significance. Review status: criteria provided, multiple submitters, no conflicts (2 of 4 stars). 2 submissions from 2 submitters: Uncertain significance (2). Last evaluated 2025-05-28.

Conditions:
Primary ciliary dyskinesia. Also called: Ciliary dyskinesia. Identifiers: Orphanet 244, MedGen C0008780, MONDO:0016575, HP:0012265.

Allele frequency attached by ClinVar (database versions not stated): gnomAD 0.00002; gnomAD exomes 0.00002; TOPMed 0.00003; ESP Exome Variant Server 0.00008.
gnomAD v4.1: 31 of 1,613,402 alleles (0.0019%); highest among the groups gnomAD compares: South Asian, 0.0044%; no homozygotes.

Submissions (2):

Ambry Genetics
Classification: Uncertain significance. Last evaluated: 2025-05-28. Review status: criteria provided, single submitter. Criteria: Ambry Variant Classification Scheme 2023. Collection method: clinical testing. Allele origin: germline.

Labcorp Genetics (formerly Invitae), Labcorp
Classification: Uncertain significance for Primary ciliary dyskinesia. Last evaluated: 2022-07-11. Review status: criteria provided, single submitter. Criteria: Invitae Variant Classification Sherloc (09022015). Collection method: clinical testing. Allele origin: germline.
Comment: In summary, the available evidence is currently insufficient to determine the role of this variant in disease. Therefore, it has been classified as a Variant of Uncertain Significance. Algorithms developed to predict the effect of missense changes on protein structure and function are either unavailable or do not agree on the potential impact of this missense change (SIFT: "Deleterious"; PolyPhen-2: "Not Available"; Align-GVGD: "Class C35"). ClinVar contains an entry for this variant (Variation ID: 572453). This variant has not been reported in the literature in individuals affected with DNAH8-related conditions. This variant is present in population databases (rs368736066, gnomAD 0.007%). This sequence change replaces arginine, which is basic and polar, with tryptophan, which is neutral and slightly polar, at codon 3517 of the DNAH8 protein (p.Arg3517Trp).

NM_001206927.2(DNAH8):c.10549C>T (p.Arg3517Trp)

Genes: DNAH8-AS1 (DNAH8 antisense RNA 1; minus strand), DNAH8 (dynein axonemal heavy chain 8; plus strand). Cytogenetic location: 6p21.2.
Variant type: single nucleotide variant.
Coding change: c.10549C>T on transcript NM_001206927.2 (MANE Select); coding-DNA position 10549, C replaced by T.
Protein change: p.Arg3517Trp; replaces arginine 3517 with tryptophan.
Molecular consequence: missense variant.
Genome position (GRCh38, 1-based): chr6:38,921,393, C>T. VCF-style: chr6-38921393-C-T. GRCh37 (hg19) VCF-style: chr6-38889169-C-T.
Other names: c.9898C>T, p.Arg3300Trp (NM_001371.4); short protein forms R3517W, R3300W.
Identifiers: ClinVar variation 572453 (VCV000572453.9), dbSNP rs368736066, ClinGen allele CA3790759.